The following is an entry in ClinVar:

ClinVar aggregate classification (germline): Uncertain significance. Review status: criteria provided, multiple submitters, no conflicts (2 of 4 stars). 2 submissions from 2 submitters: Uncertain significance (2). Last evaluated 2025-08-14.

Conditions:
Hypokalemic periodic paralysis, type 1. Also called: Hypokalemic Periodic Paralysis Type 1 (AD); HypoPP. Identifiers: Orphanet 681, MedGen C3714580, MONDO:0042979, OMIM 170400.
Malignant hyperthermia, susceptibility to, 5 (MHS5). Also called: CACNA1S-Related Malignant Hyperthermia Susceptibility. Identifiers: Orphanet 423, MedGen C1866077, MONDO:0011163, OMIM 601887.

Allele frequency attached by ClinVar (database versions not stated): gnomAD exomes below 0.00001; gnomAD 0.00001.
gnomAD v4.1: 6 of 1,613,204 alleles (0.00037%); highest among the groups gnomAD compares: Non-Finnish European, 0.00042%; no homozygotes.

Submissions (2):

Color Diagnostics, LLC DBA Color Health
Classification: Uncertain significance for Malignant hyperthermia, susceptibility to, 5. Last evaluated: 2025-08-14. Review status: criteria provided, single submitter. Criteria: ACMG Guidelines, 2015. Collection method: clinical testing. Allele origin: germline.
Comment: This missense variant replaces serine with proline at codon 1853 of the CACNA1S protein. Computational prediction suggests that this variant may not impact protein structure and function. To our knowledge, functional studies have not been reported for this variant. This variant has not been reported in individuals affected with CACNA1S-related disorders in the literature. This variant has not been identified in the general population by the Genome Aggregation Database (gnomAD). The available evidence is insufficient to determine the role of this variant in disease conclusively. Therefore, this variant is classified as a Variant of Uncertain Significance.

Labcorp Genetics (formerly Invitae), Labcorp
Classification: Uncertain significance for Hypokalemic periodic paralysis, type 1; Malignant hyperthermia, susceptibility to, 5. Last evaluated: 2025-07-09. Review status: criteria provided, single submitter. Criteria: Invitae Variant Classification Sherloc (09022015). Collection method: clinical testing. Allele origin: germline.
Comment: This sequence change replaces serine, which is neutral and polar, with proline, which is neutral and non-polar, at codon 1853 of the CACNA1S protein (p.Ser1853Pro). This variant is not present in population databases (gnomAD no frequency). This variant has not been reported in the literature in individuals affected with CACNA1S-related conditions. ClinVar contains an entry for this variant (Variation ID: 850201). An algorithm developed to predict the effect of missense changes on protein structure and function outputs the following: PolyPhen-2: "Benign". The proline amino acid residue is found in multiple mammalian species, which suggests that this missense change does not adversely affect protein function. In summary, the available evidence is currently insufficient to determine the role of this variant in disease. Therefore, it has been classified as a Variant of Uncertain Significance.

NM_000069.3(CACNA1S):c.5557T>C (p.Ser1853Pro)

Gene: CACNA1S (calcium voltage-gated channel subunit alpha1 S; minus strand). Cytogenetic location: 1q32.1.
Variant type: single nucleotide variant.
Coding change: c.5557T>C on transcript NM_000069.3 (MANE Select); coding-DNA position 5557, T replaced by C.
Protein change: p.Ser1853Pro; replaces serine 1853 with proline.
Molecular consequence: missense variant.
Genome position (GRCh38, 1-based): chr1:201,039,896, A>G on the plus strand (T>C on the coding strand, the complement: CACNA1S is on the minus strand). VCF-style: chr1-201039896-A-G. GRCh37 (hg19) VCF-style: chr1-201009024-A-G.
Other names: short protein forms S1853P.
Identifiers: ClinVar variation 850201 (VCV000850201.8), dbSNP rs1660060487, ClinGen allele CA344128397.